The following is an entry in ClinVar:

NM_000163.5(GHR):c.1214A>C (p.His405Pro)

Gene: GHR (growth hormone receptor; plus strand). Cytogenetic location: 5p12.
Variant type: single nucleotide variant.
Coding change: c.1214A>C on transcript NM_000163.5 (MANE Select); coding-DNA position 1214, A replaced by C.
Protein change: p.His405Pro; replaces histidine 405 with proline.
Molecular consequence: missense variant. On other transcripts: 3 prime UTR variant (1).
Genome position (GRCh38, 1-based): chr5:42,718,721, A>C. VCF-style: chr5-42718721-A-C. GRCh37 (hg19) VCF-style: chr5-42718823-A-C.
Other names: c.1214A>C, p.His405Pro (NM_001242402.2, NM_001242403.3, NM_001242404.2 and 4 more transcripts); c.1148A>C, p.His383Pro (NM_001242460.2); c.*256A>C (NM_001242462.1); c.1235A>C, p.His412Pro (NM_001242399.2); c.1214A>C (NM_000163.4); short protein forms H383P, H412P, H405P.
Identifiers: ClinVar variation 1486356 (VCV001486356.5), dbSNP rs766704808, ClinGen allele CA3254617.

ClinVar aggregate classification (germline): Uncertain significance. Review status: criteria provided, multiple submitters, no conflicts (2 of 4 stars). 3 submissions from 3 submitters: Uncertain significance (3). Last evaluated 2025-02-18.

Conditions:
Short stature due to partial GHR deficiency. Also called: GROWTH HORMONE DEFICIENCY, ISOLATED PARTIAL; GROWTH HORMONE INSENSITIVITY, PARTIAL; Growth hormone, insensitivity to, partial. Identifiers: Orphanet 314802, Orphanet 314811, MedGen C1858656, MONDO:0011420, OMIM 604271.
Laron-type isolated somatotropin defect. Also called: Laron Syndrome; Growth hormone binding protein deficiency or dysfunction; Growth hormone receptor deficiency or dysfunction; Laron dwarfism; Laron type pituitary dwarfism I; GROWTH HORMONE RECEPTOR DEFICIENCY. Identifiers: Orphanet 633, MedGen C0271568, MONDO:0009877, OMIM 262500.
Hypercholesterolemia, familial, 1. Also called: LDL RECEPTOR DISORDER; Hyperlipoproteinemia Type IIa; HYPER-LOW-DENSITY-LIPOPROTEINEMIA; HYPERCHOLESTEROLEMIC XANTHOMATOSIS, FAMILIAL; Fredrickson type IIa hyperlipoproteinemia; Hyperlipoproteinemia type 2. Identifiers: Orphanet 391665, MedGen C0745103, MONDO:0007750, OMIM 143890.
Inborn genetic diseases. Identifiers: MedGen C0950123, MeSH D030342.

Allele frequency attached by ClinVar (database versions not stated): ExAC 0.00001; gnomAD 0.00001; gnomAD exomes 0.00002; TOPMed 0.00002.
gnomAD v4.1: 16 of 1,614,068 alleles (0.00099%); highest among the groups gnomAD compares: Admixed American, 0.017%; no homozygotes.

Submissions (3):

Ambry Genetics
Classification: Uncertain significance for Inborn genetic diseases. Last evaluated: 2025-02-18. Review status: criteria provided, single submitter. Criteria: Ambry Variant Classification Scheme 2023. Collection method: clinical testing. Allele origin: germline.

Labcorp Genetics (formerly Invitae), Labcorp
Classification: Uncertain significance. Last evaluated: 2025-01-27. Review status: criteria provided, single submitter. Criteria: Invitae Variant Classification Sherloc (09022015). Collection method: clinical testing. Allele origin: germline.
Comment: This sequence change replaces histidine, which is basic and polar, with proline, which is neutral and non-polar, at codon 405 of the GHR protein (p.His405Pro). This variant is present in population databases (rs766704808, gnomAD 0.01%). This variant has not been reported in the literature in individuals affected with GHR-related conditions. ClinVar contains an entry for this variant (Variation ID: 1486356). Invitae Evidence Modeling of protein sequence and biophysical properties (such as structural, functional, and spatial information, amino acid conservation, physicochemical variation, residue mobility, and thermodynamic stability) indicates that this missense variant is not expected to disrupt GHR protein function with a negative predictive value of 80%. In summary, the available evidence is currently insufficient to determine the role of this variant in disease. Therefore, it has been classified as a Variant of Uncertain Significance.

Department of Pathology and Laboratory Medicine, Sinai Health System
Classification: Uncertain significance for Hypercholesterolemia, familial, 1; Laron-type isolated somatotropin defect; Short stature due to partial GHR deficiency. Last evaluated: 2021-07-30. Review status: criteria provided, single submitter. Criteria: ACMG Guidelines, 2015. Collection method: research. Allele origin: germline.